The following is an entry in ClinVar:

ClinVar aggregate classification (germline): Pathogenic (1 of 4 stars; one submission).

Conditions:
Atrioventricular septal defect 4 (AVSD4). Identifiers: MedGen C3280781, MONDO:0013747, OMIM 614430.

Submission:

Labcorp Genetics (formerly Invitae), Labcorp
Classification: Pathogenic for Atrioventricular septal defect 4. Last evaluated: 2024-12-04. Review status: criteria provided, single submitter. Criteria: Invitae Variant Classification Sherloc (09022015). Collection method: clinical testing. Allele origin: germline.
Comment: This sequence change creates a premature translational stop signal (p.Trp228*) in the GATA4 gene. It is expected to result in an absent or disrupted protein product. Loss-of-function variants in GATA4 are known to be pathogenic (PMID: 12845333, 15235040). This variant is not present in population databases (gnomAD no frequency). This variant has not been reported in the literature in individuals affected with GATA4-related conditions. For these reasons, this variant has been classified as Pathogenic.

Literature cited by the submitters: PubMed 12845333; PubMed 15235040.

NM_001308093.3(GATA4):c.686G>A (p.Trp229Ter)

Gene: GATA4 (GATA binding protein 4). Cytogenetic location: 8p23.1.
Variant type: single nucleotide variant.
Coding change: c.686G>A on transcript NM_001308093.3 (MANE Select); coding-DNA position 686, G replaced by A.
Protein change: p.Trp229Ter; replaces tryptophan 229 with a stop codon.
Molecular consequence: nonsense.
Genome position (GRCh38, 1-based): chr8:11,748,985, G>A. VCF-style: chr8-11748985-G-A. GRCh37 (hg19) VCF-style: chr8-11606494-G-A.
Other names: c.65G>A, p.Trp22Ter (NM_001308094.2, NM_001374273.1, NM_001374274.1); c.683G>A, p.Trp228Ter (NM_002052.5); short protein forms W229*, W22*, W228*.
Identifiers: ClinVar variation 3631539 (VCV003631539.2).